The following is an entry in ClinVar:

ClinVar aggregate classification (germline): Uncertain significance (1 of 4 stars; one submission).

Conditions:
Severe combined immunodeficiency due to DNA-PKcs deficiency. Also called: IMMUNODEFICIENCY 26 WITH NEUROLOGIC ABNORMALITIES; Immunodeficiency 26 with or without neurologic abnormalities. Identifiers: Orphanet 317425, MedGen C4014833, MONDO:0014423, OMIM 615966.

Allele frequency attached by ClinVar (database versions not stated): 1000 Genomes Project 0.00020; gnomAD exomes 0.00027 and 0.00063; ExAC 0.00028; 1000 Genomes Project 30x 0.00031; ESP Exome Variant Server 0.00033; TOPMed 0.00038; gnomAD 0.00044 and 0.00047.

Submission:

Labcorp Genetics (formerly Invitae), Labcorp
Classification: Uncertain significance for Severe combined immunodeficiency due to DNA-PKcs deficiency. Last evaluated: 2025-02-03. Review status: criteria provided, single submitter. Criteria: Invitae Variant Classification Sherloc (09022015). Collection method: clinical testing. Allele origin: germline.
Comment: This sequence change replaces methionine, which is neutral and non-polar, with valine, which is neutral and non-polar, at codon 1592 of the PRKDC protein (p.Met1592Val). This variant is present in population databases (rs368553930, gnomAD 0.05%). This variant has not been reported in the literature in individuals affected with PRKDC-related conditions. ClinVar contains an entry for this variant (Variation ID: 541996). Experimental studies and prediction algorithms are not available or were not evaluated, and the functional significance of this variant is currently unknown. In summary, the available evidence is currently insufficient to determine the role of this variant in disease. Therefore, it has been classified as a Variant of Uncertain Significance.

NM_006904.7(PRKDC):c.4774A>G (p.Met1592Val)

Gene: PRKDC (protein kinase, DNA-activated, catalytic subunit; minus strand). Cytogenetic location: 8q11.21.
Variant type: single nucleotide variant.
Coding change: c.4774A>G on transcript NM_006904.7 (MANE Select); coding-DNA position 4774, A replaced by G.
Protein change: p.Met1592Val; replaces methionine 1592 with valine.
Molecular consequence: missense variant.
Genome position (GRCh38, 1-based): chr8:47,885,946, T>C on the plus strand (A>G on the coding strand, the complement: PRKDC is on the minus strand). VCF-style: chr8-47885946-T-C. GRCh37 (hg19) VCF-style: chr8-48798507-T-C.
Other names: c.4774A>G, p.Met1592Val (NM_001081640.2); short protein forms M1592V.
Identifiers: ClinVar variation 541996 (VCV000541996.8), dbSNP rs368553930, ClinGen allele CA4740817.